The following is an entry in ClinVar:

ClinVar aggregate classification (germline): Uncertain significance. Review status: criteria provided, multiple submitters, no conflicts (2 of 4 stars). 2 submissions from 2 submitters: Uncertain significance (2). Last evaluated 2016-10-24.

Conditions:
Ataxia-telangiectasia syndrome (AT). Also called: Ataxia-telangiectasia, complementation group D; AT, COMPLEMENTATION GROUP C; Ataxia-telangiectasia; ATAXIA-TELANGIECTASIA, COMPLEMENTATION GROUP A; ATAXIA-TELANGIECTASIA, FRESNO VARIANT; Ataxia-telangiectasia, complementation group E. Identifiers: Orphanet 100, MedGen C0004135, MONDO:0008840, OMIM 208900.

Submissions (2):

Labcorp Genetics (formerly Invitae), Labcorp
Classification: Uncertain significance for Ataxia-telangiectasia syndrome. Last evaluated: 2016-10-24. Review status: criteria provided, single submitter. Criteria: Invitae Variant Classification Sherloc (09022015). Collection method: clinical testing. Allele origin: germline.
Comment: In summary, this variant is a rare missense change that is not predicted to affect protein function. There is no indication that it causes disease, but the available evidence is currently insufficient to prove that conclusively. Therefore, it has been classified as a Variant of Uncertain Significance. Algorithms developed to predict the effect of missense changes on protein structure and function (SIFT, PolyPhen-2, Align-GVGD) all suggest that this variant is likely to be tolerated, but these predictions have not been confirmed by published functional studies. This variant is not present in population databases (ExAC no frequency) and has not been reported in the literature in individuals with an ATM-related disease. ClinVar contains an entry for this variant (Variation ID: 127427). This sequence change replaces isoleucine with leucine at codon 2275 of the ATM protein (p.Ile2275Leu). The isoleucine residue is weakly conserved and there is a small physicochemical difference between isoleucine and leucine.

GeneDx
Classification: Uncertain significance. Last evaluated: 2014-03-06. Review status: criteria provided, single submitter. Criteria: GeneDx Variant Classification (06012015). Collection method: clinical testing. Allele origin: germline. Affected: yes.
Comment: This variant is denoted ATM c.6823A>C at the cDNA level, p.Ile2275Leu (I2275L) at the protein level, and results in the change of an Isoleucine to a Leucine (ATA>CTA). This variant has not, to our knowledge, been published in the literature as pathogenic or benign. ATM Ile2275Leu was not observed in approximately 6,500 individuals of European and African American ancestry in the NHLBI Exome Sequencing Project, indicating it is not a common benign variant in these populations. Since Isoleucine and Leucine share similar properties, this is considered a conservative amino acid substitution and is unlikely to affect protein integrity. ATM Ile2275Leu occurs at a position that is moderately conserved across species and is located in the FAT domain (UniProt). In silico analyses predict that this variant is unlikely to alter protein structure or function. Based on currently available information, it is unclear whether ATM Ile2275Leu is pathogenic or benign. We consider it to be a variant of uncertain significance.

NM_000051.4(ATM):c.6823A>C (p.Ile2275Leu)

Genes: ATM (ATM serine/threonine kinase; plus strand), C11orf65 (chromosome 11 open reading frame 65; minus strand). Cytogenetic location: 11q22.3.
Variant type: single nucleotide variant.
Coding change: c.6823A>C on transcript NM_000051.4 (MANE Select); coding-DNA position 6823, A replaced by C.
Protein change: p.Ile2275Leu; replaces isoleucine 2275 with leucine.
Molecular consequence: missense variant. On other transcripts: intron variant (2).
Genome position (GRCh38, 1-based): chr11:108,326,073, A>C. VCF-style: chr11-108326073-A-C. GRCh37 (hg19) VCF-style: chr11-108196800-A-C.
Other names: p.I2275L:ATA>CTA; c.6823A>C, p.Ile2275Leu (NM_001351834.2); c.641-17002T>G (NM_001330368.2); c.*38+9147T>G (NM_001351110.2); short protein forms I2275L.
Identifiers: ClinVar variation 127427 (VCV000127427.10), dbSNP rs587779857, ClinGen allele CA286941.